The following is an entry in ClinVar:

NM_014975.3(MAST1):c.3976G>T (p.Val1326Phe)

Gene: MAST1 (microtubule associated serine/threonine kinase 1; plus strand). Cytogenetic location: 19p13.13.
Variant type: single nucleotide variant.
Coding change: c.3976G>T on transcript NM_014975.3 (MANE Select); coding-DNA position 3976, G replaced by T.
Protein change: p.Val1326Phe; replaces valine 1326 with phenylalanine.
Molecular consequence: missense variant.
Genome position (GRCh38, 1-based): chr19:12,874,133, G>T. VCF-style: chr19-12874133-G-T. GRCh37 (hg19) VCF-style: chr19-12984947-G-T.
Other names: short protein forms V1326F.
Identifiers: ClinVar variation 2033327 (VCV002033327.4), dbSNP rs2512545317, ClinGen allele CA404289496.
Genomic context (GRCh38, chr19:12,874,133, plus strand): 5'-AGCCTTGCCGAGTCCGACGGTGAGACGCCCCCAGTCGAGGGCCTTGGCGCGCCCCGGCAG[G>T]TCGCCGTCCGCCGCCTGGGCCGACAGGAGTCACCTTTGAGCCTGGGCGCGGACCCGTTGC-3'
Protein context (NP_055790.1, residues 1316-1336): PVEGLGAPRQ[Val1326Phe]AVRRLGRQES

ClinVar aggregate classification (germline): Uncertain significance (1 of 4 stars; one submission).

Submission:

Labcorp Genetics (formerly Invitae), Labcorp
Classification: Uncertain significance. Last evaluated: 2025-05-29. Review status: criteria provided, single submitter. Criteria: Invitae Variant Classification Sherloc (09022015). Collection method: clinical testing. Allele origin: germline.
Comment: This sequence change replaces valine, which is neutral and non-polar, with phenylalanine, which is neutral and non-polar, at codon 1326 of the MAST1 protein (p.Val1326Phe). This variant is not present in population databases (gnomAD no frequency). This variant has not been reported in the literature in individuals affected with MAST1-related conditions. ClinVar contains an entry for this variant (Variation ID: 2033327). An algorithm developed to predict the effect of missense changes on protein structure and function (PolyPhen-2) suggests that this variant is likely to be tolerated. In summary, the available evidence is currently insufficient to determine the role of this variant in disease. Therefore, it has been classified as a Variant of Uncertain Significance.